The following is an entry in ClinVar:

ClinVar aggregate classification (germline): Uncertain significance (1 of 4 stars; one submission).

Conditions:
Hereditary cancer-predisposing syndrome. Also called: Neoplastic Syndromes, Hereditary; Tumor predisposition; Hereditary Cancer Syndrome; Hereditary neoplastic syndrome. Identifiers: Orphanet 140162, MedGen C0027672, MeSH D009386, MONDO:0015356.
Cardiovascular phenotype. Identifiers: MedGen CN230736.

Submission:

Ambry Genetics
Classification: Uncertain significance for Cardiovascular phenotype; Hereditary cancer-predisposing syndrome. Last evaluated: 2021-01-25. Review status: criteria provided, single submitter. Criteria: Ambry Variant Classification Scheme 2023. Collection method: clinical testing. Allele origin: germline.
Comment: The c.792-3C>G intronic variant results from a C to G substitution 3 nucleotides upstream from coding exon 9 in the LZTR1 gene. This nucleotide position is not well conserved in available vertebrate species. In silico splice site analysis predicts that this alteration will not have any significant effect on splicing. Since supporting evidence is limited at this time, the clinical significance of this alteration remains unclear.

NM_006767.4(LZTR1):c.792-3C>G

Gene: LZTR1 (leucine zipper like post translational regulator 1; plus strand). Cytogenetic location: 22q11.21.
Variant type: single nucleotide variant.
Coding change: c.792-3C>G on transcript NM_006767.4 (MANE Select); 3 bases into the intron before coding-DNA position 792, C replaced by G.
Molecular consequence: intron variant.
Genome position (GRCh38, 1-based): chr22:20,991,625, C>G. VCF-style: chr22-20991625-C-G. GRCh37 (hg19) VCF-style: chr22-21345914-C-G.
Identifiers: ClinVar variation 1761240 (VCV001761240.2), dbSNP rs911095806, ClinGen allele CA322327196.